The following is an entry in ClinVar:

NM_004408.4(DNM1):c.162-11A>G

Genes: DNM1 (dynamin 1; plus strand), LOC113839516 (Sharpr-MPRA regulatory region 8497; plus strand). Cytogenetic location: 9q34.11.
Variant type: single nucleotide variant.
Coding change: c.162-11A>G on transcript NM_004408.4 (MANE Select); 11 bases into the intron before coding-DNA position 162, A replaced by G.
Molecular consequence: intron variant.
Genome position (GRCh38, 1-based): chr9:128,218,220, A>G. VCF-style: chr9-128218220-A-G. GRCh37 (hg19) VCF-style: chr9-130980499-A-G.
Other names: c.162-11A>G (NM_001005336.3, NM_001374269.1, NM_001288738.2 and 2 more transcripts).
Identifiers: ClinVar variation 3622475 (VCV003622475.2).

ClinVar aggregate classification (germline): Uncertain significance (1 of 4 stars; one submission).

Conditions:
Developmental and epileptic encephalopathy, 31A. Also called: Epileptic encephalopathy, early infantile, 31; Developmental and epileptic encephalopathy, 31. Identifiers: Orphanet 2382, MedGen C4225357, MONDO:0014598, OMIM 616346.

gnomAD v4.1: 3 of 1,613,444 alleles (0.00019%); highest among the groups gnomAD compares: Non-Finnish European, 0.00025%; no homozygotes.

Submission:

Labcorp Genetics (formerly Invitae), Labcorp
Classification: Uncertain significance for Developmental and epileptic encephalopathy, 31A. Last evaluated: 2025-01-06. Review status: criteria provided, single submitter. Criteria: Invitae Variant Classification Sherloc (09022015). Collection method: clinical testing. Allele origin: germline.
Comment: This sequence change falls in intron 1 of the DNM1 gene. It does not directly change the encoded amino acid sequence of the DNM1 protein. This variant is present in population databases (no rsID available, gnomAD 0.0009%). This variant has not been reported in the literature in individuals affected with DNM1-related conditions. Algorithms developed to predict the effect of sequence changes on RNA splicing suggest that this variant may disrupt the consensus splice site. In summary, the available evidence is currently insufficient to determine the role of this variant in disease. Therefore, it has been classified as a Variant of Uncertain Significance.